The following is an entry in ClinVar:

ClinVar aggregate classification (germline): Benign. Review status: criteria provided, single submitter (1 of 4 stars). 3 submissions from 1 submitter: Benign (3). Last evaluated 2018-01-12.

Conditions:
Myhre syndrome (MYHRS). Also called: LARYNGOTRACHEAL STENOSIS, ARTHROPATHY, PROGNATHISM, AND SHORT STATURE; LAPS SYNDROME. Identifiers: Orphanet 2588, MedGen C0796081, MONDO:0007688, OMIM 139210.
Generalized juvenile polyposis/juvenile polyposis coli. Also called: Juvenile polyposis coli. Identifiers: Orphanet 329971, MedGen C1868081, MONDO:0008276.
Juvenile polyposis/hereditary hemorrhagic telangiectasia syndrome (JPHT). Also called: JP/HHT SYNDROME; JUVENILE POLYPOSIS WITH HEREDITARY HEMORRHAGIC TELANGIECTASIA; POLYPOSIS, GENERALIZED JUVENILE, WITH PULMONARY ARTERIOVENOUS MALFORMATION; TELANGIECTASIA, HEREDITARY HEMORRHAGIC, WITH JUVENILE POLYPOSIS COLI; Juvenile Polyposis Syndrome / Hereditary Hemorrhagic Telangiectasia (JPS/HHT). Identifiers: Orphanet 2929, MedGen C1832942, MONDO:0008278, OMIM 175050.

Allele frequency attached by ClinVar (database versions not stated): gnomAD 0.01125; 1000 Genomes Project 0.01138; 1000 Genomes Project 30x 0.01171; TOPMed 0.01628; gnomAD exomes 0.02011.
gnomAD v4.1: 3,039 of 186,224 alleles (1.6%); highest among the groups gnomAD compares: Middle Eastern, 6.8%; 30 homozygotes.

Submissions (3):

Illumina Laboratory Services, Illumina
Classification: Benign for Myhre syndrome. Last evaluated: 2018-01-12. Review status: criteria provided, single submitter. Criteria: ICSL Variant Classification Criteria 13 December 2019. Collection method: clinical testing. Allele origin: germline.
Comment: This variant was observed in the ICSL laboratory as part of a predisposition screen in an ostensibly healthy population. It had not been previously curated by ICSL or reported in the Human Gene Mutation Database (HGMD: prior to June 1st, 2018), and was therefore a candidate for classification through an automated scoring system. Utilizing variant allele frequency, disease prevalence and penetrance estimates, and inheritance mode, an automated score was calculated to assess if this variant is too frequent to cause the disease. Based on the score and internal cut-off values, a variant classified as benign is not then subjected to further curation. The score for this variant resulted in a classification of benign for this disease.

Illumina Laboratory Services, Illumina
Classification: Benign for Juvenile polyposis syndrome. Last evaluated: 2018-01-12. Review status: criteria provided, single submitter. Criteria: ICSL Variant Classification Criteria 13 December 2019. Collection method: clinical testing. Allele origin: germline.
Comment: the same text as in the submission from Illumina Laboratory Services, Illumina above.

Illumina Laboratory Services, Illumina
Classification: Benign for Juvenile polyposis/hereditary hemorrhagic telangiectasia syndrome. Last evaluated: 2018-01-12. Review status: criteria provided, single submitter. Criteria: ICSL Variant Classification Criteria 13 December 2019. Collection method: clinical testing. Allele origin: germline.
Comment: the same text as in the submission from Illumina Laboratory Services, Illumina above.

NM_005359.6(SMAD4):c.*2122A>G

Gene: SMAD4 (SMAD family member 4; plus strand). Cytogenetic location: 18q21.2.
Variant type: single nucleotide variant.
Coding change: c.*2122A>G on transcript NM_005359.6 (MANE Select); 2122 bases downstream of the stop codon, A replaced by G.
Molecular consequence: 3 prime UTR variant.
Genome position (GRCh38, 1-based): chr18:51,080,589, A>G. VCF-style: chr18-51080589-A-G. GRCh37 (hg19) VCF-style: chr18-48606959-A-G.
Identifiers: ClinVar variation 327136 (VCV000327136.5), dbSNP rs149424787, ClinGen allele CA10650966.
Genomic context (GRCh38, chr18:51,080,589, plus strand): 5'-ATTGACATAATTCATTGCTTCTTTTTTTTGAGATATGGAGTCTTGCTGTGTTGCCCAGGC[A>G]GGAGTGCAGTGGTATGATCTCAGCTCACTGCAACCTCTGCCTCCCGGGTTCAACTGATTC-3'